The following is an entry in ClinVar:

NM_001159293.2(ZNF737):c.1185A>G (p.Lys395=)

Gene: ZNF737 (zinc finger protein 737; minus strand). Cytogenetic location: 19p12.
Variant type: single nucleotide variant.
Coding change: c.1185A>G on transcript NM_001159293.2 (MANE Select); coding-DNA position 1185, A replaced by G.
Protein change: p.Lys395=; no amino-acid change (lysine 395 retained).
Molecular consequence: synonymous variant.
Genome position (GRCh38, 1-based): chr19:20,545,018, T>C on the plus strand (A>G on the coding strand, the complement: ZNF737 is on the minus strand). VCF-style: chr19-20545018-T-C. GRCh37 (hg19) VCF-style: chr19-20727824-T-C.
Identifiers: ClinVar variation 5041012 (VCV005041012.1).
Genomic context (GRCh38, chr19:20,545,018, plus strand): 5'-ATGTGTAGTAAGGGAAGAGGAGTACTTAAAGGCTTCGCCACATTCTTCACATTTGTAGGG[T>C]TTCTCTCCAGTATGAATTCTCTTATGTGTAGTAAGGTGTGAGGACCAGTTGAAGGCTTTG-3'
Protein context (NP_001152765.1, residues 385-405): TTHKRIHTGE[Lys395=]PYKCEECGEA

ClinVar aggregate classification (germline): Likely benign (1 of 4 stars; one submission).

gnomAD v4.1: 46 of 1,613,680 alleles (0.0029%); highest among the groups gnomAD compares: East Asian, 0.049%; 1 homozygote.

Submission:

CeGaT Center for Human Genetics Tuebingen
Classification: Likely benign. Last evaluated: 2026-10-01. Review status: criteria provided, single submitter. Criteria: CeGaT Center For Human Genetics Tuebingen Variant Classification Criteria Version 2. Collection method: clinical testing. Allele origin: germline. Affected: yes. Observed: 1 variant allele.
Comment: ZNF737: BP4, BP7